The following is an entry in ClinVar:

NM_005629.4(SLC6A8):c.-11C>T

Gene: SLC6A8 (solute carrier family 6 member 8; plus strand). Cytogenetic location: Xq28.
Variant type: single nucleotide variant.
Coding change: c.-11C>T on transcript NM_005629.4 (MANE Select); 11 bases upstream of the start codon, C replaced by T.
Molecular consequence: 5 prime UTR variant.
Genome position (GRCh38, 1-based): chrX:153,688,564, C>T. VCF-style: chrX-153688564-C-T. GRCh37 (hg19) VCF-style: chrX-152954019-C-T.
Other names: c.-11C>T (NM_001142805.2).
Identifiers: ClinVar variation 386976 (VCV000386976.1), dbSNP rs781794844, ClinGen allele CA10549147.

ClinVar aggregate classification (germline): Likely benign (1 of 4 stars; one submission).

Allele frequency attached by ClinVar (database versions not stated): ExAC below 0.00001; gnomAD exomes 0.00001 and 0.00007; TOPMed 0.00011; gnomAD 0.00013 and 0.00014.
gnomAD v4.1: 19 of 984,215 alleles (0.0019%); highest among the groups gnomAD compares: Admixed American, 0.064%; no homozygotes.

Submission:

GeneDx
Classification: Likely benign. Last evaluated: 2016-07-01. Review status: criteria provided, single submitter. Criteria: GeneDx Variant Classification (06012015). Collection method: clinical testing. Allele origin: germline. Affected: yes.
Comment: This variant is considered likely benign or benign based on one or more of the following criteria: it is a conservative change, it occurs at a poorly conserved position in the protein, it is predicted to be benign by multiple in silico algorithms, and/or has population frequency not consistent with disease.